The following is an entry in ClinVar:

NC_000009.11:g.(?_117046993)_(117072977_?)dup

Gene: COL27A1 (collagen type XXVII alpha 1 chain; plus strand). Cytogenetic location: 9q32.
Variant type: Duplication.
Identifiers: ClinVar variation 2427080 (VCV002427080.3).

ClinVar aggregate classification (germline): Uncertain significance (1 of 4 stars; one submission).

Submission:

Labcorp Genetics (formerly Invitae), Labcorp
Classification: Uncertain significance. Last evaluated: 2022-07-25. Review status: criteria provided, single submitter. Criteria: Invitae Variant Classification Sherloc (09022015). Collection method: clinical testing. Allele origin: germline.
Comment: This variant results in a copy number gain of the genomic region encompassing exon(s) 41-61 of the COL27A1 gene. This region includes the termination codon of the gene. This copy number gain extends beyond the assayed region for this gene and therefore may encompass additional genes. As the precise location of this event is unknown, it may be in tandem or it may be located elsewhere in the genome. This variant has not been reported in the literature in individuals affected with COL27A1-related conditions. Experimental studies and prediction algorithms are not available or were not evaluated, and the functional significance of this variant is currently unknown. In summary, the available evidence is currently insufficient to determine the role of this variant in disease. Therefore, it has been classified as a Variant of Uncertain Significance.